The following is an entry in ClinVar:

ClinVar aggregate classification (germline): Uncertain significance (1 of 4 stars; one submission).

Conditions:
Inborn genetic diseases. Identifiers: MedGen C0950123, MeSH D030342.

Submission:

Ambry Genetics
Classification: Uncertain significance for Inborn genetic diseases. Last evaluated: 2025-08-30. Review status: criteria provided, single submitter. Criteria: Ambry Variant Classification Scheme 2023. Collection method: clinical testing. Allele origin: germline.
Comment: The p.D943G variant (also known as c.2828A>G), located in coding exon 14 of the FANCM gene, results from an A to G substitution at nucleotide position 2828. The aspartic acid at codon 943 is replaced by glycine, an amino acid with similar properties. This amino acid position is conserved. In addition, this alteration is predicted to be tolerated by in silico analysis. Based on the available evidence, the clinical significance of this variant remains unclear.

NM_020937.4(FANCM):c.2828A>G (p.Asp943Gly)

Gene: FANCM (FA complementation group M; plus strand). Cytogenetic location: 14q21.2.
Variant type: single nucleotide variant.
Coding change: c.2828A>G on transcript NM_020937.4 (MANE Select); coding-DNA position 2828, A replaced by G.
Protein change: p.Asp943Gly; replaces aspartic acid 943 with glycine.
Molecular consequence: missense variant.
Genome position (GRCh38, 1-based): chr14:45,175,582, A>G. VCF-style: chr14-45175582-A-G. GRCh37 (hg19) VCF-style: chr14-45644785-A-G.
Other names: c.2750A>G, p.Asp917Gly (NM_001308133.2); short protein forms D917G, D943G.
Identifiers: ClinVar variation 4254720 (VCV004254720.1).